The following is an entry in ClinVar:

ClinVar aggregate classification (germline): Uncertain significance. Review status: criteria provided, multiple submitters, no conflicts (2 of 4 stars). 2 submissions from 2 submitters: Uncertain significance (2). Last evaluated 2025-05-20.

Conditions:
Colorectal cancer, hereditary nonpolyposis, type 7. Identifiers: Orphanet 144, MedGen C1858380, MONDO:0013725, OMIM 614385.

Allele frequency attached by ClinVar (database versions not stated): gnomAD exomes below 0.00001.
gnomAD v4.1: 1 of 1,614,136 alleles (0.000062%); highest among the groups gnomAD compares: Non-Finnish European, 0.000085%; no homozygotes.

Submissions (2):

Ambry Genetics
Classification: Uncertain significance. Last evaluated: 2025-05-20. Review status: criteria provided, single submitter. Criteria: Ambry Variant Classification Scheme 2023. Collection method: clinical testing. Allele origin: germline.
Comment: The p.H811R variant (also known as c.2432A>G), located in coding exon 1 of the MLH3 gene, results from an A to G substitution at nucleotide position 2432. The histidine at codon 811 is replaced by arginine, an amino acid with highly similar properties. This amino acid position is conserved. In addition, this alteration is predicted to be tolerated by in silico analysis. Since supporting evidence is limited at this time, the clinical significance of this alteration remains unclear.

Labcorp Genetics (formerly Invitae), Labcorp
Classification: Uncertain significance for Colorectal cancer, hereditary nonpolyposis, type 7. Last evaluated: 2024-06-05. Review status: criteria provided, single submitter. Criteria: Invitae Variant Classification Sherloc (09022015). Collection method: clinical testing. Allele origin: germline.
Comment: This sequence change replaces histidine, which is basic and polar, with arginine, which is basic and polar, at codon 811 of the MLH3 protein (p.His811Arg). This variant is not present in population databases (gnomAD no frequency). This variant has not been reported in the literature in individuals affected with MLH3-related conditions. ClinVar contains an entry for this variant (Variation ID: 952217). Algorithms developed to predict the effect of missense changes on protein structure and function output the following: SIFT: "Not Available"; PolyPhen-2: "Benign"; Align-GVGD: "Not Available". The arginine amino acid residue is found in multiple mammalian species, which suggests that this missense change does not adversely affect protein function. In summary, the available evidence is currently insufficient to determine the role of this variant in disease. Therefore, it has been classified as a Variant of Uncertain Significance.

NM_001040108.2(MLH3):c.2432A>G (p.His811Arg)

Gene: MLH3 (mutL homolog 3; minus strand). Cytogenetic location: 14q24.3.
Variant type: single nucleotide variant.
Coding change: c.2432A>G on transcript NM_001040108.2 (MANE Select); coding-DNA position 2432, A replaced by G.
Protein change: p.His811Arg; replaces histidine 811 with arginine.
Molecular consequence: missense variant.
Genome position (GRCh38, 1-based): chr14:75,047,224, T>C on the plus strand (A>G on the coding strand, the complement: MLH3 is on the minus strand). VCF-style: chr14-75047224-T-C. GRCh37 (hg19) VCF-style: chr14-75513927-T-C.
Other names: c.2432A>G, p.His811Arg (NM_014381.3); short protein forms H811R.
Identifiers: ClinVar variation 952217 (VCV000952217.12), dbSNP rs1892303572, ClinGen allele CA390440517.